The following is an entry in ClinVar:

ClinVar aggregate classification (germline): Uncertain significance (1 of 4 stars; one submission).

Submission:

Ambry Genetics
Classification: Uncertain significance. Last evaluated: 2025-05-18. Review status: criteria provided, single submitter. Criteria: Ambry Variant Classification Scheme 2023. Collection method: clinical testing. Allele origin: germline.
Comment: The p.P289S variant (also known as c.865C>T), located in coding exon 7 of the GEN1 gene, results from a C to T substitution at nucleotide position 865. The proline at codon 289 is replaced by serine, an amino acid with similar properties. This amino acid position is conserved. In addition, the in silico prediction for this alteration is inconclusive. Based on the available evidence, the clinical significance of this variant remains unclear.

NM_001130009.3(GEN1):c.865C>T (p.Pro289Ser)

Gene: GEN1 (GEN1 Holliday junction 5' flap endonuclease; plus strand). Cytogenetic location: 2p24.2.
Variant type: single nucleotide variant.
Coding change: c.865C>T on transcript NM_001130009.3 (MANE Select); coding-DNA position 865, C replaced by T.
Protein change: p.Pro289Ser; replaces proline 289 with serine.
Molecular consequence: missense variant.
Genome position (GRCh38, 1-based): chr2:17,772,696, C>T. VCF-style: chr2-17772696-C-T. GRCh37 (hg19) VCF-style: chr2-17953963-C-T.
Other names: c.865C>T, p.Pro289Ser (NM_182625.5); short protein forms P289S.
Identifiers: ClinVar variation 4029306 (VCV004029306.1).